The following is an entry in ClinVar:

ClinVar aggregate classification (germline): Uncertain significance (1 of 4 stars; one submission).

Allele frequency attached by ClinVar (database versions not stated): gnomAD exomes below 0.00001.
gnomAD v4.1: 1 of 1,613,802 alleles (0.000062%); highest among the groups gnomAD compares: Non-Finnish European, 0.000085%; no homozygotes.

Submission:

GeneDx
Classification: Uncertain significance. Last evaluated: 2017-02-03. Review status: criteria provided, single submitter. Criteria: GeneDx Variant Classification (06012015). Collection method: clinical testing. Allele origin: germline. Affected: yes.
Comment: p.Lys318Thr (AAG>ACG): c.953 A>C in exon 7 of the KCNQ1 gene (NM_000218.2). The Lys318Thr variant in the KCNQ1 gene has not been reported as a disease-causing variant or as a benign polymorphism to our knowledge. Lys318Thr results in a semi-conservative amino acid substitution of a positively charged Lysine with a neutral, polar Threonine at a position that is class conserved across species. In silico analysis predicts Lys318Thr is possibly damaging to the protein structure/function. Pathogenic variants in this residue (Lys318Asn) and in nearby residues (Asp317Asn, Asp317Tyr, Asp317Gly, Pro320Ala, Pro320Ser, Pro320His) have been reported in association with LQTS, further supporting the functional importance of this region of the protein. Furthermore, the Lys318Thr variant was not observed in approximately 6,500 individuals of European and African American ancestry in the NHLBI Exome Sequencing Project, indicating it is not a common benign variant in these populations. In summary, while Lys318Thr is a good candidate for a disease-causing variant, with the clinical and molecular information available at this time we cannot unequivocally determine the clinical significance of this variant.

NM_000218.3(KCNQ1):c.953A>C (p.Lys318Thr)

Gene: KCNQ1 (potassium voltage-gated channel subfamily Q member 1; plus strand). Cytogenetic location: 11p15.5.
Variant type: single nucleotide variant.
Coding change: c.953A>C on transcript NM_000218.3 (MANE Select); coding-DNA position 953, A replaced by C.
Protein change: p.Lys318Thr; replaces lysine 318 with threonine.
Molecular consequence: missense variant.
Genome position (GRCh38, 1-based): chr11:2,583,466, A>C. VCF-style: chr11-2583466-A-C. GRCh37 (hg19) VCF-style: chr11-2604696-A-C.
Other names: p.K318T:AAG>ACG; c.953A>C, p.Lys318Thr (NM_001406836.1); c.683A>C, p.Lys228Thr (NM_001406837.1); c.509A>C, p.Lys170Thr (NM_001406838.1); c.572A>C, p.Lys191Thr (NM_181798.2); short protein forms K191T, K318T, K170T, K228T.
Identifiers: ClinVar variation 200827 (VCV000200827.4), dbSNP rs794728516, ClinGen allele CA008890.